The following is an entry in ClinVar:

NM_006164.5(NFE2L2):c.1705C>T (p.Arg569Cys)

Gene: NFE2L2 (NFE2 like bZIP transcription factor 2; minus strand). Cytogenetic location: 2q31.2.
Variant type: single nucleotide variant.
Coding change: c.1705C>T on transcript NM_006164.5 (MANE Select); coding-DNA position 1705, C replaced by T.
Protein change: p.Arg569Cys; replaces arginine 569 with cysteine.
Molecular consequence: missense variant.
Genome position (GRCh38, 1-based): chr2:177,230,898, G>A on the plus strand (C>T on the coding strand, the complement: NFE2L2 is on the minus strand). VCF-style: chr2-177230898-G-A. GRCh37 (hg19) VCF-style: chr2-178095626-G-A.
Other names: c.1657C>T, p.Arg553Cys (NM_001145412.3, NM_001313900.1, NM_001313901.1); c.1636C>T, p.Arg546Cys (NM_001145413.3); c.1615C>T, p.Arg539Cys (NM_001313902.2); c.1486C>T, p.Arg496Cys (NM_001313903.2); c.1405C>T, p.Arg469Cys (NM_001313904.1); c.1705C>T (NM_006164.3); short protein forms R496C, R553C, R569C, R539C, R546C, R469C.
Identifiers: ClinVar variation 1447799 (VCV001447799.11), dbSNP rs750553272, ClinGen allele CA1979660.

ClinVar aggregate classification (germline): Uncertain significance. Review status: criteria provided, multiple submitters, no conflicts (2 of 4 stars). 2 submissions from 2 submitters: Uncertain significance (2). Last evaluated 2025-11-03.

Allele frequency attached by ClinVar (database versions not stated): ExAC 0.00001; gnomAD 0.00001; gnomAD exomes 0.00001; TOPMed 0.00001.
gnomAD v4.1: 24 of 1,613,894 alleles (0.0015%); highest among the groups gnomAD compares: East Asian, 0.0089%; no homozygotes.

Submissions (2):

Labcorp Genetics (formerly Invitae), Labcorp
Classification: Uncertain significance. Last evaluated: 2025-11-03. Review status: criteria provided, single submitter. Criteria: Invitae Variant Classification Sherloc (09022015). Collection method: clinical testing. Allele origin: germline.
Comment: This sequence change replaces arginine, which is basic and polar, with cysteine, which is neutral and slightly polar, at codon 569 of the NFE2L2 protein (p.Arg569Cys). This variant is present in population databases (rs750553272, gnomAD 0.02%). This variant has not been reported in the literature in individuals affected with NFE2L2-related conditions. ClinVar contains an entry for this variant (Variation ID: 1447799). Invitae Evidence Modeling of protein sequence and biophysical properties (such as structural, functional, and spatial information, amino acid conservation, physicochemical variation, residue mobility, and thermodynamic stability) indicates that this missense variant is not expected to disrupt NFE2L2 protein function with a negative predictive value of 80%. In summary, the available evidence is currently insufficient to determine the role of this variant in disease. Therefore, it has been classified as a Variant of Uncertain Significance.

Ambry Genetics
Classification: Uncertain significance. Last evaluated: 2021-06-22. Review status: criteria provided, single submitter. Criteria: Ambry Variant Classification Scheme 2023. Collection method: clinical testing. Allele origin: germline.